The following is an entry in ClinVar:

ClinVar aggregate classification (germline): Likely benign (1 of 4 stars; one submission).

Allele frequency attached by ClinVar (database versions not stated): gnomAD exomes below 0.00001; ExAC 0.00001; TOPMed 0.00001; ESP Exome Variant Server 0.00008.

Submission:

GeneDx
Classification: Likely benign. Last evaluated: 2014-05-02. Review status: criteria provided, single submitter. Criteria: GeneDx Variant Classification (06012015). Collection method: clinical testing. Allele origin: germline. Affected: yes.
Comment: This variant is considered likely benign or benign based on one or more of the following criteria: it is a conservative change, it occurs at a poorly conserved position in the protein, it is predicted to be benign by multiple in silico algorithms, and/or has population frequency not consistent with disease.

NM_016013.4(NDUFAF1):c.70T>A (p.Leu24Met)

Gene: NDUFAF1 (NADH:ubiquinone oxidoreductase complex assembly factor 1; minus strand). Cytogenetic location: 15q15.1.
Variant type: single nucleotide variant.
Coding change: c.70T>A on transcript NM_016013.4 (MANE Select); coding-DNA position 70, T replaced by A.
Protein change: p.Leu24Met; replaces leucine 24 with methionine.
Molecular consequence: missense variant. On other transcripts: non-coding transcript variant (1).
Genome position (GRCh38, 1-based): chr15:41,396,990, A>T on the plus strand (T>A on the coding strand, the complement: NDUFAF1 is on the minus strand). VCF-style: chr15-41396990-A-T. GRCh37 (hg19) VCF-style: chr15-41689188-A-T.
Other names: p.L24M:TTG>ATG; short protein forms L24M.
Identifiers: ClinVar variation 214727 (VCV000214727.1), dbSNP rs138995454, ClinGen allele CA322886.
Genomic context (GRCh38, chr15:41,396,990, plus strand): 5'-CCACTGGTTTCTGAAGACTACTGGAATACTCTGCAAAGCGAATACCCAAAAATGGATACA[A>T]GGCAGAAGTTGGCTTAGAGAATTTTCTGAGAAAATAAGTACCACGCAGCAATTTGTGAAC-3'
Protein context (NP_057097.2, residues 14-34): LRKFSKPTSA[Leu24Met]YPFLGIRFAE